The following is an entry in ClinVar:

NM_006031.6(PCNT):c.6150+10_6150+11insCGGGGAAGGCACGAGGCCCACCCGGGAGAGGCTGGACACGCGGCAGCAAGGTGTGGGGAGCGGGGAAGGCACGAGGCCCACCCGGGAGAGGCTGGACACGCGGCAGCAAGGTGTGGGGAG

Gene: PCNT (pericentrin; plus strand). Cytogenetic location: 21q22.3.
Variant type: Insertion.
Coding change: c.6150+10_6150+11insCGGGGAAGGCACGAGGCCCACCCGGGAGAGGCTGGACACGCGGCAGCAAGGTGTGGGGAGCGGGGAAGGCACGAGGCCCACCCGGGAGAGGCTGGACACGCGGCAGCAAGGTGTGGGGAG on transcript NM_006031.6 (MANE Select); bases 10 to 11 of the intron after coding-DNA position 6150, CGGGGAAGGCACGAGGCCCACCCGGGAGAGGCTGGACACGCGGCAGCAAGGTGTGGGGAGCGGGGAAGGCACGAGGCCCACCCGGGAGAGGCTGGACACGCGGCAGCAAGGTGTGGGGAG inserted.
Molecular consequence: splice donor variant.
Genome position: GRCh38: chr21:46,413,002-46,413,003. GRCh37 (hg19): chr21:47,832,916-47,832,917.
Other names: c.5796+10_5796+11insCGGGGAAGGCACGAGGCCCACCCGGGAGAGGCTGGACACGCGGCAGCAAGGTGTGGGGAGCGGGGAAGGCACGAGGCCCACCCGGGAGAGGCTGGACACGCGGCAGCAAGGTGTGGGGAG (NM_001315529.2).
Identifiers: ClinVar variation 2047605 (VCV002047605.4), dbSNP rs2518783167, ClinGen allele CA2580099047.

ClinVar aggregate classification (germline): Uncertain significance (1 of 4 stars; one submission).

Submission:

Labcorp Genetics (formerly Invitae), Labcorp
Classification: Uncertain significance. Last evaluated: 2021-12-19. Review status: criteria provided, single submitter. Criteria: Invitae Variant Classification Sherloc (09022015). Collection method: clinical testing. Allele origin: germline.
Comment: In summary, the available evidence is currently insufficient to determine the role of this variant in disease. Therefore, it has been classified as a Variant of Uncertain Significance. Algorithms developed to predict the effect of sequence changes on RNA splicing suggest that this variant may create or strengthen a splice site. This variant has not been reported in the literature in individuals affected with PCNT-related conditions. This variant is not present in population databases (gnomAD no frequency). This sequence change falls in intron 29 of the PCNT gene. It does not directly change the encoded amino acid sequence of the PCNT protein.